The following is an entry in ClinVar:

ClinVar aggregate classification (germline): Uncertain significance (1 of 4 stars; one submission).

Allele frequency attached by ClinVar (database versions not stated): gnomAD exomes below 0.00001; gnomAD 0.00001.
gnomAD v4.1: 3 of 1,613,272 alleles (0.00019%); highest among the groups gnomAD compares: Non-Finnish European, 0.00025%; no homozygotes.

Submission:

Labcorp Genetics (formerly Invitae), Labcorp
Classification: Uncertain significance. Last evaluated: 2021-12-27. Review status: criteria provided, single submitter. Criteria: Invitae Variant Classification Sherloc (09022015). Collection method: clinical testing. Allele origin: germline.
Comment: This variant has not been reported in the literature in individuals affected with SC5D-related conditions. In summary, the available evidence is currently insufficient to determine the role of this variant in disease. Therefore, it has been classified as a Variant of Uncertain Significance. Algorithms developed to predict the effect of sequence changes on RNA splicing suggest that this variant may disrupt the consensus splice site. This variant is present in population databases (no rsID available, gnomAD 0.007%). This sequence change affects an acceptor splice site in intron 2 of the SC5D gene. It is expected to disrupt RNA splicing. Variants that disrupt the donor or acceptor splice site typically lead to a loss of protein function (PMID: 16199547), however the current clinical and genetic evidence is not sufficient to establish whether loss-of-function variants in SC5D cause disease.

Literature cited by the submitters: PubMed 16199547.

NM_006918.5(SC5D):c.211-2A>G

Gene: SC5D (sterol-C5-desaturase; plus strand). Cytogenetic location: 11q24.1.
Variant type: single nucleotide variant.
Coding change: c.211-2A>G on transcript NM_006918.5 (MANE Select); the canonical splice acceptor site of the intron before coding-DNA position 211, A replaced by G.
Molecular consequence: splice acceptor variant.
Genome position (GRCh38, 1-based): chr11:121,304,359, A>G. VCF-style: chr11-121304359-A-G. GRCh37 (hg19) VCF-style: chr11-121175068-A-G.
Other names: c.211-2A>G (NM_001024956.3).
Identifiers: ClinVar variation 2063306 (VCV002063306.4), dbSNP rs1449451794, ClinGen allele CA383027000.